The following is an entry in ClinVar:

ClinVar aggregate classification (germline): Uncertain significance (1 of 4 stars; one submission).

Conditions:
Hereditary cancer-predisposing syndrome. Also called: Hereditary Cancer Syndrome; Tumor predisposition; Hereditary neoplastic syndrome; Neoplastic Syndromes, Hereditary. Identifiers: Orphanet 140162, MedGen C0027672, MeSH D009386, MONDO:0015356.

Submission:

Ambry Genetics
Classification: Uncertain significance for Hereditary cancer-predisposing syndrome. Last evaluated: 2024-06-11. Review status: criteria provided, single submitter. Criteria: Ambry Variant Classification Scheme 2023. Collection method: clinical testing. Allele origin: germline.
Comment: The p.S988C variant (also known as c.2963C>G), located in coding exon 19 of the BRIP1 gene, results from a C to G substitution at nucleotide position 2963. The serine at codon 988 is replaced by cysteine, an amino acid with dissimilar properties. This amino acid position is well conserved in available vertebrate species. In addition, this alteration is predicted to be tolerated by in silico analysis. Based on the available evidence, the clinical significance of this variant remains unclear.

NM_032043.3(BRIP1):c.2963C>G (p.Ser988Cys)

Gene: BRIP1 (BRCA1 interacting DNA helicase 1; minus strand). Cytogenetic location: 17q23.2.
Variant type: single nucleotide variant.
Coding change: c.2963C>G on transcript NM_032043.3 (MANE Select); coding-DNA position 2963, C replaced by G.
Protein change: p.Ser988Cys; replaces serine 988 with cysteine.
Molecular consequence: missense variant.
Genome position (GRCh38, 1-based): chr17:61,684,083, G>C on the plus strand (C>G on the coding strand, the complement: BRIP1 is on the minus strand). VCF-style: chr17-61684083-G-C. GRCh37 (hg19) VCF-style: chr17-59761444-G-C.
Other names: short protein forms S988C.
Identifiers: ClinVar variation 3261828 (VCV003261828.1).